The following is an entry in ClinVar:

ClinVar aggregate classification (germline): Likely pathogenic (1 of 4 stars; one submission).

Conditions:
Autism spectrum disorder - epilepsy - arthrogryposis syndrome (AMRS). Identifiers: Orphanet 370943, MedGen C3809910, MONDO:0014248, OMIM 615553.

Submission:

Natera, Inc.
Classification: Likely pathogenic for Arthrogryposis, mental retardation, and seizures. Last evaluated: 2024-08-13. Review status: criteria provided, single submitter. Criteria: Natera Variant Classification Schema (03/2026). Collection method: clinical testing. Allele origin: germline.
Comment: The c.635-1G>A variant in SLC35A3 is a canonical splice acceptor site variant predicted to affect pre-mRNA splicing, which may result in an abnormal transcript and altered protein product. This variant is expected to result in nonsense mediated decay, truncation, or a dysfunctional protein product. This variant is rare in the general population with a frequency below the threshold expected for the associated phenotype(s). Given the available evidence, this variant is classified as Likely Pathogenic.

NM_012243.3(SLC35A3):c.635-1G>A

Gene: SLC35A3 (solute carrier family 35 member A3; plus strand). Cytogenetic location: 1p21.2.
Variant type: single nucleotide variant.
Coding change: c.635-1G>A on transcript NM_012243.3 (MANE Select); the canonical splice acceptor site of the intron before coding-DNA position 635, G replaced by A.
Molecular consequence: splice acceptor variant. On other transcripts: intron variant (2).
Genome position (GRCh38, 1-based): chr1:100,015,301, G>A. VCF-style: chr1-100015301-G-A. GRCh37 (hg19) VCF-style: chr1-100480857-G-A.
Other names: c.635-1G>A (NM_001438725.1, NM_001438728.1); c.634+3768G>A (NM_001271684.2); c.512-1G>A (NM_001437717.1, NM_001437713.1); c.511+3768G>A (NM_001438729.1); c.761-1G>A (NM_001271685.2).
Identifiers: ClinVar variation 4815563 (VCV004815563.1).